The following is an entry in ClinVar:

NM_001374736.1(DST):c.3064T>C (p.Phe1022Leu)

Gene: DST (dystonin; minus strand). Cytogenetic location: 6p12.1.
Variant type: single nucleotide variant.
Coding change: c.3064T>C on transcript NM_001374736.1 (MANE Select); coding-DNA position 3064, T replaced by C.
Protein change: p.Phe1022Leu; replaces phenylalanine 1022 with leucine.
Molecular consequence: missense variant.
Genome position (GRCh38, 1-based): chr6:56,635,711, A>G on the plus strand (T>C on the coding strand, the complement: DST is on the minus strand). VCF-style: chr6-56635711-A-G. GRCh37 (hg19) VCF-style: chr6-56500509-A-G.
Other names: c.2965T>C, p.Phe989Leu (NM_001144769.5); c.2551T>C, p.Phe851Leu (NM_001144770.2); c.3064T>C, p.Phe1022Leu (NM_001374722.1); c.2431T>C, p.Phe811Leu (NM_001374729.1, NM_001374730.1, NM_001386100.1 and 1 more transcripts); c.3091T>C, p.Phe1031Leu (NM_001374734.1); c.1453T>C, p.Phe485Leu (NM_001723.7, NM_015548.5); short protein forms F1022L, F1031L, F485L, F811L, F851L, F989L.
Identifiers: ClinVar variation 3755477 (VCV003755477.2).

ClinVar aggregate classification (germline): Uncertain significance (1 of 4 stars; one submission).

Conditions:
Hereditary sensory and autonomic neuropathy type 6. Also called: HSAN VI; Neuropathy, hereditary sensory and autonomic, type VI. Identifiers: Orphanet 314381, MedGen C3539003, MONDO:0013839, OMIM 614653.
Epidermolysis bullosa simplex 3, localized or generalized intermediate, with BP230 deficiency (EBS3). Also called: Epidermolysis bullosa simplex due to BP230 deficiency; Epidermolysis bullosa simplex, autosomal recessive 2. Identifiers: Orphanet 412181, MedGen C3809470, MONDO:0014180, OMIM 615425.

Submission:

Labcorp Genetics (formerly Invitae), Labcorp
Classification: Uncertain significance for Epidermolysis bullosa simplex 3, localized or generalized intermediate, with BP230 deficiency; Hereditary sensory and autonomic neuropathy type 6. Last evaluated: 2024-03-22. Review status: criteria provided, single submitter. Criteria: Invitae Variant Classification Sherloc (09022015). Collection method: clinical testing. Allele origin: germline.
Comment: This sequence change replaces phenylalanine, which is neutral and non-polar, with leucine, which is neutral and non-polar, at codon 485 of the DST protein (p.Phe485Leu). This variant is not present in population databases (gnomAD no frequency). This variant has not been reported in the literature in individuals affected with DST-related conditions. An algorithm developed to predict the effect of missense changes on protein structure and function (PolyPhen-2) suggests that this variant is likely to be disruptive. In summary, the available evidence is currently insufficient to determine the role of this variant in disease. Therefore, it has been classified as a Variant of Uncertain Significance.